The following is an entry in ClinVar:

ClinVar aggregate classification (germline): Pathogenic (1 of 4 stars; one submission).

Submission:

Labcorp Genetics (formerly Invitae), Labcorp
Classification: Pathogenic. Last evaluated: 2025-06-02. Review status: criteria provided, single submitter. Criteria: Invitae Variant Classification Sherloc (09022015). Collection method: clinical testing. Allele origin: germline.
Comment: This sequence change creates a premature translational stop signal (p.Trp497*) in the CLCN4 gene. It is expected to result in an absent or disrupted protein product. Loss-of-function variants in CLCN4 are known to be pathogenic (PMID: 27550844). This variant is not present in population databases (gnomAD no frequency). This variant has not been reported in the literature in individuals affected with CLCN4-related conditions. ClinVar contains an entry for this variant (Variation ID: 1076936). For these reasons, this variant has been classified as Pathogenic.

Literature cited by the submitters: PubMed 27550844.

NM_001830.4(CLCN4):c.1490G>A (p.Trp497Ter)

Gene: CLCN4 (chloride voltage-gated channel 4; plus strand). Cytogenetic location: Xp22.2.
Variant type: single nucleotide variant.
Coding change: c.1490G>A on transcript NM_001830.4 (MANE Select); coding-DNA position 1490, G replaced by A.
Protein change: p.Trp497Ter; replaces tryptophan 497 with a stop codon.
Molecular consequence: nonsense.
Genome position (GRCh38, 1-based): chrX:10,212,567, G>A. VCF-style: chrX-10212567-G-A. GRCh37 (hg19) VCF-style: chrX-10180607-G-A.
Other names: c.1208G>A, p.Trp403Ter (NM_001256944.2); short protein forms W403*, W497*.
Identifiers: ClinVar variation 1076936 (VCV001076936.7), dbSNP rs2147182686, ClinGen allele CA412040954.